The following is an entry in ClinVar:

ClinVar aggregate classification (germline): Uncertain significance (1 of 4 stars; one submission).

Conditions:
Inborn genetic diseases. Identifiers: MedGen C0950123, MeSH D030342.

Submission:

Ambry Genetics
Classification: Uncertain significance for Inborn genetic diseases. Last evaluated: 2023-07-05. Review status: criteria provided, single submitter. Criteria: Ambry Variant Classification Scheme 2023. Collection method: clinical testing. Allele origin: germline.
Comment: The p.G19D variant (also known as c.56G>A), located in coding exon 1 of the ATR gene, results from a G to A substitution at nucleotide position 56. The glycine at codon 19 is replaced by aspartic acid, an amino acid with similar properties. This amino acid position is conserved. In addition, this alteration is predicted to be tolerated by in silico analysis. Since supporting evidence is limited at this time, the clinical significance of this alteration remains unclear.

NM_001184.4(ATR):c.56G>A (p.Gly19Asp)

Genes: ATR (ATR checkpoint kinase; minus strand), LOC129937703 (ATAC-STARR-seq lymphoblastoid active region 20643; plus strand). Cytogenetic location: 3q23.
Variant type: single nucleotide variant.
Coding change: c.56G>A on transcript NM_001184.4 (MANE Select); coding-DNA position 56, G replaced by A.
Protein change: p.Gly19Asp; replaces glycine 19 with aspartic acid.
Molecular consequence: missense variant.
Genome position (GRCh38, 1-based): chr3:142,578,649, C>T on the plus strand (G>A on the coding strand, the complement: ATR is on the minus strand). VCF-style: chr3-142578649-C-T. GRCh37 (hg19) VCF-style: chr3-142297491-C-T.
Other names: c.56G>A, p.Gly19Asp (NM_001354579.2); short protein forms G19D.
Identifiers: ClinVar variation 2587560 (VCV002587560.2), dbSNP rs2035520000, ClinGen allele CA354795646.